The following is an entry in ClinVar:

NM_080425.4(GNAS):c.1861G>C (p.Gly621Arg)

Gene: GNAS (GNAS complex locus; plus strand). Cytogenetic location: 20q13.32.
Variant type: single nucleotide variant.
Coding change: c.1861G>C on transcript NM_080425.4 (MANE Plus Clinical); coding-DNA position 1861, G replaced by C.
Protein change: p.Gly621Arg; replaces glycine 621 with arginine.
Molecular consequence: missense variant. On other transcripts: synonymous variant (2), intron variant (3).
Genome position (GRCh38, 1-based): chr20:58,855,126, G>C. VCF-style: chr20-58855126-G-C. GRCh37 (hg19) VCF-style: chr20-57430181-G-C.
Other names: c.1674G>C, p.Ser558= (NM_001077490.3, NM_001309883.1); c.1861G>C, p.Gly621Arg (NM_001410913.1); c.*42+14240G>C (NM_016592.5); c.43+14240G>C (NM_001410912.1); c.-39+13251G>C (NM_001309861.2); short protein forms G621R.
Identifiers: ClinVar variation 3351840 (VCV003351840.3).

ClinVar aggregate classification (germline): Conflicting classifications of pathogenicity. Review status: criteria provided, conflicting classifications (1 of 4 stars). 2 submissions from 2 submitters: Uncertain significance (1); Likely benign (1). Last evaluated 2025-11-11.

Conditions:
GNAS-related disorder. Identifiers: MedGen CN380105.

gnomAD v4.1: 1 of 1,613,646 alleles (0.000062%); no homozygotes.

Submissions (2):

PreventionGenetics, part of Exact Sciences
Classification: Uncertain significance for GNAS-related condition. Last evaluated: 2025-11-11. Review status: criteria provided, single submitter. Criteria: ACMG Guidelines, 2015. Collection method: clinical testing. Allele origin: germline.
Comment: The GNAS c.1861G>C variant is predicted to result in the amino acid substitution p.Gly621Arg. Of note, this variant can also be referred to as c.-36601G>C (Pre-Coding) in the more commonly reported isoform, NM_000516. To our knowledge, this variant has not been reported in the literature. This variant is not reported for any of the seven population categories recognized in gnomAD. At this time, the clinical significance of this variant is uncertain due to the absence of conclusive functional and genetic evidence.

Blueprint Genetics
Classification: Likely benign. Last evaluated: 2024-06-28. Review status: criteria provided, single submitter. Criteria: ACMG Guidelines, 2015. Collection method: clinical testing. Allele origin: germline.